The following is an entry in ClinVar:

ClinVar aggregate classification (germline): Uncertain significance (1 of 4 stars; one submission).

Conditions:
Waardenburg syndrome type 4C (WS4C). Also called: WAARDENBURG SYNDROME WITH HIRSCHSPRUNG DISEASE, TYPE 4C. Identifiers: Orphanet 897, MedGen C2750452, MONDO:0013202, OMIM 613266.

Submission:

3billion
Classification: Uncertain significance for Waardenburg syndrome type 4C. Last evaluated: 2025-09-18. Review status: criteria provided, single submitter. Criteria: ACMG Guidelines, 2015. Collection method: clinical testing. Allele origin: germline. Affected: yes.
Comment: The variant is not observed in the gnomAD v4.1.0 dataset. Predicted Consequence/Location: Missense variant In silico tool predictions suggest damaging effect of the variant on gene or gene product [REVEL: 0.97 (>=0.6, sensitivity 0.68 and specificity 0.92); 3Cnet: 0.99 (> 0.75, sensitivity 0.96 and precision 0.92)]. Different missense changes at the same codon (p.Arg119Cys, p.Arg119Gly) have been reported as pathogenic/likely pathogenic with strong evidence (ClinVar ID: VCV002029320, VCV003677192 /PMID: 33865100). Therefore, this variant is classified as VUS according to the recommendation of ACMG/AMP guideline.

Literature cited by the submitters: PubMed 33865100.

NM_006941.4(SOX10):c.355C>A (p.Arg119Ser)

Genes: POLR2F (RNA polymerase II, I and III subunit F; plus strand), SOX10 (SRY-box transcription factor 10; minus strand). Cytogenetic location: 22q13.1.
Variant type: single nucleotide variant.
Coding change: c.355C>A on transcript NM_006941.4 (MANE Select); coding-DNA position 355, C replaced by A.
Protein change: p.Arg119Ser; replaces arginine 119 with serine.
Molecular consequence: missense variant. On other transcripts: intron variant (3).
Genome position (GRCh38, 1-based): chr22:37,983,430, G>T on the plus strand (C>A on the coding strand, the complement: SOX10 is on the minus strand). VCF-style: chr22-37983430-G-T. GRCh37 (hg19) VCF-style: chr22-38379437-G-T.
Other names: c.*38+11120G>T (NM_001363825.1); c.294-2724G>T (NM_001301130.2); c.293+16260G>T (NM_001301131.2); short protein forms R119S.
Identifiers: ClinVar variation 4854111 (VCV004854111.1).